The following is an entry in ClinVar:

NM_002474.3(MYH11):c.1503C>G (p.Arg501=)

Gene: MYH11 (myosin heavy chain 11; minus strand). Cytogenetic location: 16p13.11.
Variant type: single nucleotide variant.
Coding change: c.1503C>G on transcript NM_002474.3 (MANE Select); coding-DNA position 1503, C replaced by G.
Protein change: p.Arg501=; no amino-acid change (arginine 501 retained).
Molecular consequence: synonymous variant.
Genome position (GRCh38, 1-based): chr16:15,757,899, G>C on the plus strand (C>G on the coding strand, the complement: MYH11 is on the minus strand). VCF-style: chr16-15757899-G-C. GRCh37 (hg19) VCF-style: chr16-15851756-G-C.
Other names: c.1524C>G, p.Arg508= (NM_001040113.2, NM_001040114.2); c.1503C>G, p.Arg501= (NM_022844.3).
Identifiers: ClinVar variation 387385 (VCV000387385.18), dbSNP rs776843079, ClinGen allele CA7922598.

ClinVar aggregate classification (germline): Likely benign. Review status: criteria provided, multiple submitters, no conflicts (2 of 4 stars). 6 submissions from 6 submitters: Likely benign (6). Last evaluated 2025-10-23.

Conditions:
Aortic aneurysm, familial thoracic 4 (AAT4). Also called: AORTIC ANEURYSM/AORTIC DISSECTION AND PATENT DUCTUS ARTERIOSUS. Identifiers: MedGen C1851504, MONDO:0007568, OMIM 132900.
Familial thoracic aortic aneurysm and aortic dissection (TAAD). Also called: Thoracic aortic aneurysms and dissections. Identifiers: Orphanet 91387, MedGen C4707243, MONDO:0019625.

Allele frequency attached by ClinVar (database versions not stated): TOPMed 0.00004.
gnomAD v4.1: 12 of 1,614,080 alleles (0.00074%); highest among the groups gnomAD compares: African/African-American, 0.0027%; no homozygotes.

Submissions (6):

Labcorp Genetics (formerly Invitae), Labcorp
Classification: Likely benign for Aortic aneurysm, familial thoracic 4. Last evaluated: 2025-10-23. Review status: criteria provided, single submitter. Criteria: Invitae Variant Classification Sherloc (09022015). Collection method: clinical testing. Allele origin: germline.

Blueprint Genetics
Classification: Likely benign. Last evaluated: 2024-10-17. Review status: criteria provided, single submitter. Criteria: ACMG Guidelines, 2015. Collection method: clinical testing. Allele origin: germline.

All of Us Research Program, National Institutes of Health
Classification: Likely benign for Familial thoracic aortic aneurysm and aortic dissection. Last evaluated: 2023-06-26. Review status: criteria provided, single submitter. Criteria: ACMG Guidelines, 2015. Collection method: clinical testing. Allele origin: germline. Inheritance: Autosomal dominant inheritance. Observed: 4 variant alleles, 4 heterozygotes.
Comment: This study involves interpretation of variants in research participants for the purpose of population health screening. Participant phenotype was not available at the time of variant classification. Additional details can be found in publication PMID: 35346344, PMCID: PMC8962531

Ambry Genetics
Classification: Likely benign for Familial thoracic aortic aneurysm and aortic dissection. Last evaluated: 2021-03-06. Review status: criteria provided, single submitter. Criteria: Ambry Variant Classification Scheme 2023. Collection method: clinical testing. Allele origin: germline.

Color Diagnostics, LLC DBA Color Health
Classification: Likely benign for Familial thoracic aortic aneurysm and aortic dissection. Last evaluated: 2019-06-10. Review status: criteria provided, single submitter. Criteria: ACMG Guidelines, 2015. Collection method: clinical testing. Allele origin: germline.

GeneDx
Classification: Likely benign. Last evaluated: 2016-06-29. Review status: criteria provided, single submitter. Criteria: GeneDx Variant Classification (06012015). Collection method: clinical testing. Allele origin: germline. Affected: yes.
Comment: This variant is considered likely benign or benign based on one or more of the following criteria: it is a conservative change, it occurs at a poorly conserved position in the protein, it is predicted to be benign by multiple in silico algorithms, and/or has population frequency not consistent with disease.